The following is an entry in ClinVar:

ClinVar aggregate classification (germline): Uncertain significance (1 of 4 stars; one submission).

Allele frequency attached by ClinVar (database versions not stated): gnomAD exomes below 0.00001; gnomAD 0.00001.
gnomAD v4.1: 5 of 1,613,776 alleles (0.00031%); highest among the groups gnomAD compares: African/African-American, 0.0027%; no homozygotes.

Submission:

Ambry Genetics
Classification: Uncertain significance. Last evaluated: 2022-05-14. Review status: criteria provided, single submitter. Criteria: Ambry Variant Classification Scheme 2023. Collection method: clinical testing. Allele origin: germline.
Comment: The p.M531V variant (also known as c.1591A>G), located in coding exon 10 of the POLQ gene, results from an A to G substitution at nucleotide position 1591. The methionine at codon 531 is replaced by valine, an amino acid with highly similar properties. This amino acid position is conserved. In addition, this alteration is predicted to be tolerated by in silico analysis. Since supporting evidence is limited at this time, the clinical significance of this alteration remains unclear.

NM_199420.4(POLQ):c.1591A>G (p.Met531Val)

Gene: POLQ (DNA polymerase theta; minus strand). Cytogenetic location: 3q13.33.
Variant type: single nucleotide variant.
Coding change: c.1591A>G on transcript NM_199420.4 (MANE Select); coding-DNA position 1591, A replaced by G.
Protein change: p.Met531Val; replaces methionine 531 with valine.
Molecular consequence: missense variant.
Genome position (GRCh38, 1-based): chr3:121,511,907, T>C on the plus strand (A>G on the coding strand, the complement: POLQ is on the minus strand). VCF-style: chr3-121511907-T-C. GRCh37 (hg19) VCF-style: chr3-121230754-T-C.
Other names: short protein forms M531V.
Identifiers: ClinVar variation 1775924 (VCV001775924.2), dbSNP rs1364521395, ClinGen allele CA354116001.
Genomic context (GRCh38, chr3:121,511,907, plus strand): 5'-CATAAAAGAGCAAATGGTAATTTAGTAAATTCTCTCTTACCTCCAGAATAGCTCGTATCA[T>C]GCTGCCAGTTACTTCTTCTCCTTCTCGTCTTTGCAGACAGCTGCGAACAGGCTTTAGAGA-3'
Protein context (NP_955452.3, residues 521-541): RREGEEVTGS[Met531Val]IRAILEIIVG